The following is an entry in ClinVar:

NM_015338.6(ASXL1):c.4043G>T (p.Gly1348Val)

Gene: ASXL1 (ASXL transcriptional regulator 1; plus strand). Cytogenetic location: 20q11.21.
Variant type: single nucleotide variant.
Coding change: c.4043G>T on transcript NM_015338.6 (MANE Select); coding-DNA position 4043, G replaced by T.
Protein change: p.Gly1348Val; replaces glycine 1348 with valine.
Molecular consequence: missense variant.
Genome position (GRCh38, 1-based): chr20:32,436,755, G>T. VCF-style: chr20-32436755-G-T. GRCh37 (hg19) VCF-style: chr20-31024558-G-T.
Other names: c.3860G>T, p.Gly1287Val (NM_001363734.1); short protein forms G1348V, G1287V.
Identifiers: ClinVar variation 4713658 (VCV004713658.1).
Genomic context (GRCh38, chr20:32,436,755, plus strand): 5'-AGATCCCTCCAGTTTTTCCCAGTGGGAAGTTGGGACCAAGCACAAACTCCATGTCTGGTG[G>T]GGTACAGACTCCAAGGGAAGACTGGGCTCCAAAGCCACATGCCTTTGTTGGCAGCGTCAA-3'
Protein context (NP_056153.2, residues 1338-1358): LGPSTNSMSG[Gly1348Val]VQTPREDWAP

ClinVar aggregate classification (germline): Uncertain significance (1 of 4 stars; one submission).

Submission:

Labcorp Genetics (formerly Invitae), Labcorp
Classification: Uncertain significance. Last evaluated: 2025-02-23. Review status: criteria provided, single submitter. Criteria: Invitae Variant Classification Sherloc (09022015). Collection method: clinical testing. Allele origin: germline.
Comment: This sequence change replaces glycine, which is neutral and non-polar, with valine, which is neutral and non-polar, at codon 1348 of the ASXL1 protein (p.Gly1348Val). This variant is not present in population databases (gnomAD no frequency). This variant has not been reported in the literature in individuals affected with ASXL1-related conditions. An algorithm developed to predict the effect of missense changes on protein structure and function (PolyPhen-2) suggests that this variant is likely to be disruptive. In summary, the available evidence is currently insufficient to determine the role of this variant in disease. Therefore, it has been classified as a Variant of Uncertain Significance.